The following is an entry in ClinVar:

ClinVar aggregate classification (germline): Uncertain significance (1 of 4 stars; one submission).

Conditions:
MEGF10-related myopathy (CMYO10A). Also called: Congenital myopathy 10A, severe variant. Identifiers: Orphanet 439212, MedGen C3280679, MONDO:0013731, OMIM 614399.

Allele frequency attached by ClinVar (database versions not stated): ExAC 0.00001; TOPMed below 0.00001.
gnomAD v4.1: 1 of 1,614,116 alleles (0.000062%); highest among the groups gnomAD compares: Admixed American, 0.0017%; no homozygotes.

Submission:

Labcorp Genetics (formerly Invitae), Labcorp
Classification: Uncertain significance for MEGF10-related myopathy. Last evaluated: 2022-08-05. Review status: criteria provided, single submitter. Criteria: Invitae Variant Classification Sherloc (09022015). Collection method: clinical testing. Allele origin: germline.
Comment: This sequence change replaces threonine, which is neutral and polar, with serine, which is neutral and polar, at codon 186 of the MEGF10 protein (p.Thr186Ser). This variant is present in population databases (rs763874537, gnomAD 0.003%). This variant has not been reported in the literature in individuals affected with MEGF10-related conditions. Algorithms developed to predict the effect of missense changes on protein structure and function output the following: SIFT: "Deleterious"; PolyPhen-2: "Benign"; Align-GVGD: "Class C55". The serine amino acid residue is found in multiple mammalian species, which suggests that this missense change does not adversely affect protein function. In summary, the available evidence is currently insufficient to determine the role of this variant in disease. Therefore, it has been classified as a Variant of Uncertain Significance.

NM_001256545.2(MEGF10):c.557C>G (p.Thr186Ser)

Gene: MEGF10 (multiple EGF like domains 10; plus strand). Cytogenetic location: 5q23.2.
Variant type: single nucleotide variant.
Coding change: c.557C>G on transcript NM_001256545.2 (MANE Select); coding-DNA position 557, C replaced by G.
Protein change: p.Thr186Ser; replaces threonine 186 with serine.
Molecular consequence: missense variant.
Genome position (GRCh38, 1-based): chr5:127,396,676, C>G. VCF-style: chr5-127396676-C-G. GRCh37 (hg19) VCF-style: chr5-126732368-C-G.
Other names: c.557C>G, p.Thr186Ser (NM_001308119.2, NM_001308121.2, NM_032446.3); short protein forms T186S.
Identifiers: ClinVar variation 1954160 (VCV001954160.2), dbSNP rs763874537, ClinGen allele CA3391325.